The following is an entry in ClinVar:

NM_001127208.3(TET2):c.2756A>G (p.Tyr919Cys)

Genes: TET2 (tet methylcytosine dioxygenase 2; plus strand), TET2-AS1 (TET2 antisense RNA 1; minus strand). Cytogenetic location: 4q24.
Variant type: single nucleotide variant.
Coding change: c.2756A>G on transcript NM_001127208.3 (MANE Select); coding-DNA position 2756, A replaced by G.
Protein change: p.Tyr919Cys; replaces tyrosine 919 with cysteine.
Molecular consequence: missense variant.
Genome position (GRCh38, 1-based): chr4:105,236,698, A>G. VCF-style: chr4-105236698-A-G. GRCh37 (hg19) VCF-style: chr4-106157855-A-G.
Other names: c.2756A>G, p.Tyr919Cys (NM_017628.4); short protein forms Y919C.
Identifiers: ClinVar variation 3455336 (VCV003455336.1).

ClinVar aggregate classification (germline): Uncertain significance (1 of 4 stars; one submission).

gnomAD v4.1: 1 of 1,614,142 alleles (0.000062%); highest among the groups gnomAD compares: South Asian, 0.0011%; no homozygotes.

Submission:

Ambry Genetics
Classification: Uncertain significance. Last evaluated: 2024-11-26. Review status: criteria provided, single submitter. Criteria: Ambry Variant Classification Scheme 2023. Collection method: clinical testing. Allele origin: germline.
Comment: The p.Y919C variant (also known as c.2756A>G), located in coding exon 1 of the TET2 gene, results from an A to G substitution at nucleotide position 2756. The tyrosine at codon 919 is replaced by cysteine, an amino acid with highly dissimilar properties. This amino acid position is conserved. In addition, the in silico prediction for this alteration is inconclusive. Based on the available evidence, the clinical significance of this variant remains unclear.